The following is an entry in ClinVar:

NM_001174150.2(ARL13B):c.236G>A (p.Arg79Gln)

Gene: ARL13B (ARF like GTPase 13B; plus strand). Cytogenetic location: 3q11.2.
Variant type: single nucleotide variant.
Coding change: c.236G>A on transcript NM_001174150.2 (MANE Select); coding-DNA position 236, G replaced by A.
Protein change: p.Arg79Gln; replaces arginine 79 with glutamine.
Molecular consequence: missense variant. On other transcripts: 5 prime UTR variant (1), intron variant (1).
Genome position (GRCh38, 1-based): chr3:94,003,764, G>A. VCF-style: chr3-94003764-G-A. GRCh37 (hg19) VCF-style: chr3-93722608-G-A.
Other names: c.-74G>A (NM_001174151.2); c.191G>A, p.Arg64Gln (NM_001321328.2); c.236G>A, p.Arg79Gln (NM_182896.3); c.59+23282G>A (NM_144996.4); short protein forms R79Q, R64Q.
Identifiers: ClinVar variation 1991 (VCV000001991.3), dbSNP rs121912606, ClinGen allele CA252019.
Genomic context (GRCh38, chr3:94,003,764, plus strand): 5'-ACCTTAGACAAGGAAAGTTTGAAGTCACCATCTTTGACTTGGGAGGTGGAATAAGAATTC[G>A]GGGAATCTGGAAGAATTACTATGCTGAATCCTATGGGGTAATATTTGTTGTGGATTCCAG-3'
Protein context (NP_001167621.1, residues 69-89): IFDLGGGIRI[Arg79Gln]GIWKNYYAES

ClinVar aggregate classification (germline): Likely pathogenic. Review status: criteria provided, single submitter (1 of 4 stars). 2 submissions from 2 submitters: Likely pathogenic (1). 1 of the submissions does not count toward it.

Conditions:
Joubert syndrome 8 (JBTS8). Identifiers: Orphanet 475, MedGen C2676771, MONDO:0012855, OMIM 612291.

Allele frequency attached by ClinVar (database versions not stated): gnomAD exomes below 0.00001 and 0.00001; gnomAD 0.00001; TOPMed 0.00001.
gnomAD v4.1: 10 of 1,613,518 alleles (0.00062%); highest among the groups gnomAD compares: Admixed American, 0.0017%; no homozygotes.

Submissions (2):

Juno Genomics, Hangzhou Juno Genomics, Inc
Classification: Likely pathogenic for Joubert syndrome 8. Review status: criteria provided, single submitter. Criteria: ACMG Guidelines, 2015. Collection method: clinical testing. Allele origin: germline.
Comment: Absent from controls (or at extremely low frequency if recessive) in Genome Aggregation Database.;Multiple lines of computational evidence support a deleterious effect on the gene or gene product.;For recessive disorders, detected in trans with a pathogenic variant.;Co-segregation with disease in multiple affected family members.;Patient's phenotype or family history is highly specific for a disease with a single genetic etiology.

OMIM
Classification: Pathogenic for JOUBERT SYNDROME 8. Last evaluated: 2008-08-01. Review status: no assertion criteria provided. Collection method: literature only. Allele origin: germline. Not counted in ClinVar's aggregate classification.

Literature cited by the submitters: PubMed 18674751 (cited by OMIM).